The following is an entry in ClinVar:

ClinVar aggregate classification (germline): Uncertain significance (1 of 4 stars; one submission).

Allele frequency attached by ClinVar (database versions not stated): gnomAD exomes 0.00001; ExAC 0.00002; gnomAD 0.00002; TOPMed 0.00003.
gnomAD v4.1: 17 of 1,614,102 alleles (0.0011%); highest among the groups gnomAD compares: African/African-American, 0.0093%; no homozygotes.

Submission:

CeGaT Center for Human Genetics Tuebingen
Classification: Uncertain significance. Last evaluated: 2023-06-01. Review status: criteria provided, single submitter. Criteria: CeGaT Center For Human Genetics Tuebingen Variant Classification Criteria Version 2. Collection method: clinical testing. Allele origin: germline. Affected: yes. Observed: 1 variant allele.
Comment: SLC4A11: PM2, BP4

NM_001174089.2(SLC4A11):c.458A>G (p.Asn153Ser)

Gene: SLC4A11 (solute carrier family 4 member 11; minus strand). Cytogenetic location: 20p13.
Variant type: single nucleotide variant.
Coding change: c.458A>G on transcript NM_001174089.2 (MANE Select); coding-DNA position 458, A replaced by G.
Protein change: p.Asn153Ser; replaces asparagine 153 with serine.
Molecular consequence: missense variant. On other transcripts: non-coding transcript variant (3).
Genome position (GRCh38, 1-based): chr20:3,234,148, T>C on the plus strand (A>G on the coding strand, the complement: SLC4A11 is on the minus strand). VCF-style: chr20-3234148-T-C. GRCh37 (hg19) VCF-style: chr20-3214794-T-C.
Other names: c.401A>G, p.Asn134Ser (NM_001400278.1, NM_001400279.1, NM_001400277.1); c.587A>G, p.Asn196Ser (NM_001400280.1, NM_001174090.2); c.506A>G, p.Asn169Ser (NM_032034.4); c.458A>G, p.Asn153Ser (NM_001363745.2); short protein forms N134S, N153S, N169S, N196S.
Identifiers: ClinVar variation 2652172 (VCV002652172.24), dbSNP rs369976845, ClinGen allele CA9742285.